The following is an entry in ClinVar:

ClinVar aggregate classification (germline): Uncertain significance (1 of 4 stars; one submission).

Allele frequency attached by ClinVar (database versions not stated): TOPMed below 0.00001; ExAC 0.00001; gnomAD exomes 0.00001.
gnomAD v4.1: 16 of 1,614,106 alleles (0.00099%); highest among the groups gnomAD compares: Admixed American, 0.0067%; no homozygotes.

Submission:

Labcorp Genetics (formerly Invitae), Labcorp
Classification: Uncertain significance. Last evaluated: 2025-06-12. Review status: criteria provided, single submitter. Criteria: Invitae Variant Classification Sherloc (09022015). Collection method: clinical testing. Allele origin: germline.
Comment: This sequence change replaces glycine, which is neutral and non-polar, with serine, which is neutral and polar, at codon 278 of the SLC2A9 protein (p.Gly278Ser). This variant is present in population databases (rs780985240, gnomAD 0.01%). This variant has not been reported in the literature in individuals affected with SLC2A9-related conditions. ClinVar contains an entry for this variant (Variation ID: 2076725). An algorithm developed to predict the effect of missense changes on protein structure and function (PolyPhen-2) suggests that this variant is likely to be disruptive. In summary, the available evidence is currently insufficient to determine the role of this variant in disease. Therefore, it has been classified as a Variant of Uncertain Significance.

NM_020041.3(SLC2A9):c.832G>A (p.Gly278Ser)

Gene: SLC2A9 (solute carrier family 2 member 9; minus strand). Cytogenetic location: 4p16.1.
Variant type: single nucleotide variant.
Coding change: c.832G>A on transcript NM_020041.3 (MANE Select); coding-DNA position 832, G replaced by A.
Protein change: p.Gly278Ser; replaces glycine 278 with serine.
Molecular consequence: missense variant.
Genome position (GRCh38, 1-based): chr4:9,920,555, C>T on the plus strand (G>A on the coding strand, the complement: SLC2A9 is on the minus strand). VCF-style: chr4-9920555-C-T. GRCh37 (hg19) VCF-style: chr4-9922179-C-T.
Other names: c.745G>A, p.Gly249Ser (NM_001001290.2); short protein forms G278S, G249S.
Identifiers: ClinVar variation 2076725 (VCV002076725.4), dbSNP rs780985240, ClinGen allele CA2857062.
Genomic context (GRCh38, chr4:9,920,555, plus strand): 5'-TCCTCTGCACGCGGCTCTCAGCCAGGACCTCCTCTACCTCTTGGGAAACGTCTGCTTTAC[C>T]CAAGAACGTTTGGAAGGCTGCAAACAGAGGCACACATGGACTTTCAGCAGGGATTAGAGT-3'
Protein context (NP_064425.2, residues 268-288): RAVKAFQTFL[Gly278Ser]KADVSQEVEE